The following is an entry in ClinVar:

NM_005609.4(PYGM):c.828C>G (p.Ile276Met)

Gene: PYGM (glycogen phosphorylase, muscle associated; minus strand). Cytogenetic location: 11q13.1.
Variant type: single nucleotide variant.
Coding change: c.828C>G on transcript NM_005609.4 (MANE Select); coding-DNA position 828, C replaced by G.
Protein change: p.Ile276Met; replaces isoleucine 276 with methionine.
Molecular consequence: missense variant.
Genome position (GRCh38, 1-based): chr11:64,755,300, G>C on the plus strand (C>G on the coding strand, the complement: PYGM is on the minus strand). VCF-style: chr11-64755300-G-C. GRCh37 (hg19) VCF-style: chr11-64522772-G-C.
Other names: c.564C>G, p.Ile188Met (NM_001164716.1); c.828C>G (NM_005609.2); short protein forms I188M, I276M.
Identifiers: ClinVar variation 2057392 (VCV002057392.2), dbSNP rs1198004865, ClinGen allele CA381179607.

ClinVar aggregate classification (germline): Uncertain significance. Review status: criteria provided, multiple submitters, no conflicts (2 of 4 stars). 2 submissions from 2 submitters: Uncertain significance (2). Last evaluated 2025-01-15.

Conditions:
Inborn genetic diseases. Identifiers: MedGen C0950123, MeSH D030342.
Glycogen storage disease, type V (GSD5). Also called: McArdle type glycogen storage disease; MCARDLE DISEASE; MUSCLE GLYCOGEN PHOSPHORYLASE DEFICIENCY; MYOPHOSPHORYLASE DEFICIENCY; PYGM DEFICIENCY. Identifiers: Orphanet 368, MedGen C0017924, MONDO:0009293, OMIM 232600.

Allele frequency attached by ClinVar (database versions not stated): TOPMed below 0.00001; gnomAD 0.00001.
gnomAD v4.1: 28 of 1,614,048 alleles (0.0017%); highest among the groups gnomAD compares: Non-Finnish European, 0.0023%; no homozygotes.

Submissions (2):

Ambry Genetics
Classification: Uncertain significance for Inborn genetic diseases. Last evaluated: 2025-01-15. Review status: criteria provided, single submitter. Criteria: Ambry Variant Classification Scheme 2023. Collection method: clinical testing. Allele origin: germline.

Labcorp Genetics (formerly Invitae), Labcorp
Classification: Uncertain significance for Glycogen storage disease, type V. Last evaluated: 2022-07-30. Review status: criteria provided, single submitter. Criteria: Invitae Variant Classification Sherloc (09022015). Collection method: clinical testing. Allele origin: germline.
Comment: This sequence change replaces isoleucine, which is neutral and non-polar, with methionine, which is neutral and non-polar, at codon 276 of the PYGM protein (p.Ile276Met). This variant is present in population databases (no rsID available, gnomAD 0.002%). This variant has not been reported in the literature in individuals affected with PYGM-related conditions. Algorithms developed to predict the effect of missense changes on protein structure and function are either unavailable or do not agree on the potential impact of this missense change (SIFT: "Not Available"; PolyPhen-2: "Benign"; Align-GVGD: "Not Available"). In summary, the available evidence is currently insufficient to determine the role of this variant in disease. Therefore, it has been classified as a Variant of Uncertain Significance.